The following is an entry in ClinVar:

ClinVar aggregate classification (germline): Uncertain significance (1 of 4 stars; one submission).

Submission:

Labcorp Genetics (formerly Invitae), Labcorp
Classification: Uncertain significance. Last evaluated: 2021-11-06. Review status: criteria provided, single submitter. Criteria: Invitae Variant Classification Sherloc (09022015). Collection method: clinical testing. Allele origin: germline.
Comment: In summary, the available evidence is currently insufficient to determine the role of this variant in disease. Therefore, it has been classified as a Variant of Uncertain Significance. Algorithms developed to predict the effect of missense changes on protein structure and function are either unavailable or do not agree on the potential impact of this missense change (SIFT: "Deleterious"; PolyPhen-2: "Possibly Damaging"; Align-GVGD: "Class C0"). This variant has not been reported in the literature in individuals affected with C5-related conditions. This variant is not present in population databases (gnomAD no frequency). This sequence change replaces serine, which is neutral and polar, with cysteine, which is neutral and slightly polar, at codon 36 of the C5 protein (p.Ser36Cys).

NM_001735.3(C5):c.107C>G (p.Ser36Cys)

Gene: C5 (complement C5; minus strand). Cytogenetic location: 9q33.2.
Variant type: single nucleotide variant.
Coding change: c.107C>G on transcript NM_001735.3 (MANE Select); coding-DNA position 107, C replaced by G.
Protein change: p.Ser36Cys; replaces serine 36 with cysteine.
Molecular consequence: missense variant.
Genome position (GRCh38, 1-based): chr9:121,046,342, G>C on the plus strand (C>G on the coding strand, the complement: C5 is on the minus strand). VCF-style: chr9-121046342-G-C. GRCh37 (hg19) VCF-style: chr9-123808620-G-C.
Other names: c.125C>G, p.Ser42Cys (NM_001317163.2); c.107C>G, p.Ser36Cys (NM_001317164.2); short protein forms S36C, S42C.
Identifiers: ClinVar variation 1493526 (VCV001493526.6), dbSNP rs2131823079, ClinGen allele CA374733086.